The following is an entry in ClinVar:

NM_001734.5(C1S):c.1365T>G (p.Phe455Leu)

Gene: C1S (complement C1s; plus strand). Cytogenetic location: 12p13.31.
Variant type: single nucleotide variant.
Coding change: c.1365T>G on transcript NM_001734.5 (MANE Select); coding-DNA position 1365, T replaced by G.
Protein change: p.Phe455Leu; replaces phenylalanine 455 with leucine.
Molecular consequence: missense variant.
Genome position (GRCh38, 1-based): chr12:7,069,949, T>G. VCF-style: chr12-7069949-T-G. GRCh37 (hg19) VCF-style: chr12-7177253-T-G.
Other names: c.864T>G, p.Phe288Leu (NM_001346850.2); c.1365T>G, p.Phe455Leu (NM_201442.4); short protein forms F455L, F288L.
Identifiers: ClinVar variation 2191173 (VCV002191173.5), dbSNP rs369869435, ClinGen allele CA6423777.

ClinVar aggregate classification (germline): Uncertain significance. Review status: criteria provided, multiple submitters, no conflicts (2 of 4 stars). 2 submissions from 2 submitters: Uncertain significance (2). Last evaluated 2025-10-29.

Allele frequency attached by ClinVar (database versions not stated): ExAC 0.00002; gnomAD 0.00002; TOPMed 0.00002; gnomAD exomes 0.00004; ESP Exome Variant Server 0.00008.
gnomAD v4.1: 65 of 1,614,046 alleles (0.004%); highest among the groups gnomAD compares: Non-Finnish European, 0.0053%; no homozygotes.

Submissions (2):

Labcorp Genetics (formerly Invitae), Labcorp
Classification: Uncertain significance. Last evaluated: 2025-10-29. Review status: criteria provided, single submitter. Criteria: Invitae Variant Classification Sherloc (09022015). Collection method: clinical testing. Allele origin: germline.
Comment: This sequence change replaces phenylalanine, which is neutral and non-polar, with leucine, which is neutral and non-polar, at codon 455 of the C1S protein (p.Phe455Leu). This variant is present in population databases (rs369869435, gnomAD 0.003%). This variant has not been reported in the literature in individuals affected with C1S-related conditions. ClinVar contains an entry for this variant (Variation ID: 2191173). Invitae Evidence Modeling of protein sequence and biophysical properties (such as structural, functional, and spatial information, amino acid conservation, physicochemical variation, residue mobility, and thermodynamic stability) indicates that this missense variant is not expected to disrupt C1S protein function with a negative predictive value of 80%. In summary, the available evidence is currently insufficient to determine the role of this variant in disease. Therefore, it has been classified as a Variant of Uncertain Significance.

Women's Health and Genetics/Laboratory Corporation of America, LabCorp
Classification: Uncertain significance. Last evaluated: 2025-07-16. Review status: criteria provided, single submitter. Criteria: LabCorp Variant Classification Summary - May 2015. Collection method: clinical testing. Allele origin: germline.
Comment: Variant summary: C1S c.1365T>G (p.Phe455Leu) results in a non-conservative amino acid change in the encoded protein sequence. Algorithms developed to predict the effect of missense changes on protein structure and function are either unavailable or do not agree on the potential impact of this missense change. The variant allele was found at a frequency of 1.2e-05 in 251480 control chromosomes (gnomAD). The available data on variant occurrences in the general population are insufficient to allow any conclusion about variant significance. To our knowledge, no occurrence of c.1365T>G in individuals affected with Complement component C1s deficiency and no experimental evidence demonstrating its impact on protein function have been reported. ClinVar contains an entry for this variant (Variation ID: 2191173). Based on the evidence outlined above, the variant was classified as uncertain significance.